The following is an entry in ClinVar:

NM_006437.4(PARP4):c.1407C>T (p.Val469=)

Gene: PARP4 (poly(ADP-ribose) polymerase family member 4; minus strand). Cytogenetic location: 13q12.12.
Variant type: single nucleotide variant.
Coding change: c.1407C>T on transcript NM_006437.4 (MANE Select); coding-DNA position 1407, C replaced by T.
Protein change: p.Val469=; no amino-acid change (valine 469 retained).
Molecular consequence: synonymous variant.
Genome position (GRCh38, 1-based): chr13:24,484,694, G>A on the plus strand (C>T on the coding strand, the complement: PARP4 is on the minus strand). VCF-style: chr13-24484694-G-A. GRCh37 (hg19) VCF-style: chr13-25058832-G-A.
Identifiers: ClinVar variation 2643690 (VCV002643690.24), dbSNP rs145844893, ClinGen allele CA6916175.
Genomic context (GRCh38, chr13:24,484,694, plus strand): 5'-GATTAAGGATCGAACATACCTGAGCGAATCACTGAAATAAATCCCACTTCCAAGGTTTCC[G>A]ACGTCTGTTCTTTGCACACCACGATCTTCCACTACTTTGGGTAAAAGCAACCCTCTGAAA-3'
Protein context (NP_006428.2, residues 459-479): VEDRGVQRTD[Val469=]GNLGSGIYFS

ClinVar aggregate classification (germline): Likely benign (1 of 4 stars; one submission).

Allele frequency attached by ClinVar (database versions not stated): 1000 Genomes Project 30x 0.00016; 1000 Genomes Project 0.00020; TOPMed 0.00028; ESP Exome Variant Server 0.00054; ExAC 0.00058; gnomAD 0.00077.
gnomAD v4.1: 949 of 1,612,538 alleles (0.059%); highest among the groups gnomAD compares: Non-Finnish European, 0.049%; 1 homozygote.

Submission:

CeGaT Center for Human Genetics Tuebingen
Classification: Likely benign. Last evaluated: 2022-06-01. Review status: criteria provided, single submitter. Criteria: CeGaT Center For Human Genetics Tuebingen Variant Classification Criteria Version 2. Collection method: clinical testing. Allele origin: germline. Affected: yes. Observed: 2 variant alleles.
Comment: PARP4: BP4, BP7